The following is an entry in ClinVar:

ClinVar aggregate classification (germline): Likely pathogenic (1 of 4 stars; one submission).

Conditions:
Cardiovascular phenotype. Identifiers: MedGen CN230736.

Submission:

Ambry Genetics
Classification: Likely pathogenic for Cardiovascular phenotype. Last evaluated: 2020-01-15. Review status: criteria provided, single submitter. Criteria: Ambry Variant Classification Scheme 2023. Collection method: clinical testing. Allele origin: germline.
Comment: The c.29525delA variant, located in coding exon 118 of the TTN gene, results from a deletion of one nucleotide at nucleotide position 29525, causing a translational frameshift with a predicted alternate stop codon (p.E9842Gfs*10). This exon is located in the A-band region of the N2-B isoform of the titin protein and is constitutively expressed in TTN transcripts (percent spliced in or PSI 100%). This alteration is expected to result in loss of function by premature protein truncation or nonsense-mediated mRNA decay. While truncating variants in TTN are present in 1-3% of the general population, truncating variants in the A-band are the most common cause of dilated cardiomyopathy (DCM) (Herman DS et al. N. Engl. J. Med., 2012 Feb;366:619-28; Roberts AM et al. Sci Transl Med, 2015 Jan;7:270ra6). TTN truncating variants encoded in constitutive exons (PSI >90%) have been found to be significantly associated with DCM regardless of their position in titin (Schafer S et al. Nat. Genet., 2017 01;49:46-53). As such, this alteration is classified as likely pathogenic.

NM_001267550.2(TTN):c.56720del (p.Glu18907fs)

Genes: TTN (titin; minus strand), TTN-AS1 (TTN antisense RNA 1; plus strand). Cytogenetic location: 2q31.2.
Variant type: Deletion.
Coding change: c.56720del on transcript NM_001267550.2 (MANE Select); coding-DNA position 56720, one base deleted (A; older notation c.56720delA).
Protein change: p.Glu18907fs; shifts the reading frame from glutamic acid 18907.
Molecular consequence: frameshift variant.
Genome position (GRCh38, 1-based): chr2:178,598,990, T deleted on the plus strand (A on the coding strand, the reverse complement: TTN is on the minus strand). VCF-style (leftmost placement, unchanged base first): chr2-178598989-CT-C. GRCh37 (hg19) VCF-style: chr2-179463716-CT-C.
Other names: c.51797del, p.Glu17266fs (NM_001256850.1); c.29525del, p.Glu9842fs (NM_003319.4); c.49016del, p.Glu16339fs (NM_133378.4); c.29900del, p.Glu9967fs (NM_133432.3); c.30101del, p.Glu10034fs (NM_133437.4); c.29525delA (NM_003319.4); short protein forms E9967fs, E16339fs, E9842fs, E10034fs, E17266fs, E18907fs.
Identifiers: ClinVar variation 1798065 (VCV001798065.2), dbSNP rs2469871880, ClinGen allele CA2580064855.
Genomic context (GRCh38, chr2:178,598,989, plus strand): 5'-AGTGGTGTCTTTCATTTCCAGCCAGTACCCTGTCACAGGAGAGCCTCCATCATATTCTGG[CT>C]CTTCCCAGTTGACAGTCATGGAGTTACGAGTCACGCTGCTAACTGTTGGTTTATCTGGTG-3'